The following is an entry in ClinVar:

NM_000554.6(CRX):c.*2039C>T

Gene: CRX (cone-rod homeobox; plus strand). Cytogenetic location: 19q13.33.
Variant type: single nucleotide variant.
Coding change: c.*2039C>T on transcript NM_000554.6 (MANE Select); 2039 bases downstream of the stop codon, C replaced by T.
Molecular consequence: 3 prime UTR variant.
Genome position (GRCh38, 1-based): chr19:47,842,006, C>T. VCF-style: chr19-47842006-C-T. GRCh37 (hg19) VCF-style: chr19-48345263-C-T.
Identifiers: ClinVar variation 329752 (VCV000329752.5), dbSNP rs189556251, ClinGen allele CA10643083.

ClinVar aggregate classification (germline): Conflicting classifications of pathogenicity. Review status: criteria provided, conflicting classifications (1 of 4 stars). 3 submissions from 1 submitter: Uncertain significance (1); Benign (1); Likely benign (1). Last evaluated 2018-01-13.

Conditions:
Cone-rod dystrophy 2 (CORD2). Also called: CONE-ROD RETINAL DYSTROPHY; Cone-rod retinal dystrophy 2. Identifiers: Orphanet 1872, MedGen C3489532, MONDO:0007362, OMIM 120970.
Leber congenital amaurosis 7 (LCA7). Identifiers: Orphanet 65, MedGen C3151192, MONDO:0013449, OMIM 613829.
Retinitis pigmentosa (RP). Identifiers: Orphanet 791, MedGen C0035334, MeSH D012174, MONDO:0019200, OMIM 268000. Inheritance: Autosomal dominant, autosomal recessive and X linked inheritance.

Allele frequency attached by ClinVar (database versions not stated): 1000 Genomes Project 0.00100; 1000 Genomes Project 30x 0.00125; gnomAD 0.00154 and 0.00156; TOPMed 0.00175.

Submissions (3):

Illumina Laboratory Services, Illumina
Classification: Benign for Cone-rod dystrophy 2. Last evaluated: 2018-01-13. Review status: criteria provided, single submitter. Criteria: ICSL Variant Classification Criteria 13 December 2019. Collection method: clinical testing. Allele origin: germline.
Comment: This variant was observed in the ICSL laboratory as part of a predisposition screen in an ostensibly healthy population. It had not been previously curated by ICSL or reported in the Human Gene Mutation Database (HGMD: prior to June 1st, 2018), and was therefore a candidate for classification through an automated scoring system. Utilizing variant allele frequency, disease prevalence and penetrance estimates, and inheritance mode, an automated score was calculated to assess if this variant is too frequent to cause the disease. Based on the score and internal cut-off values, a variant classified as benign is not then subjected to further curation. The score for this variant resulted in a classification of benign for this disease.

Illumina Laboratory Services, Illumina
Classification: Uncertain significance for Leber congenital amaurosis 7. Last evaluated: 2018-01-13. Review status: criteria provided, single submitter. Criteria: ICSL Variant Classification Criteria 13 December 2019. Collection method: clinical testing. Allele origin: germline.

Illumina Laboratory Services, Illumina
Classification: Likely benign for Retinitis pigmentosa. Last evaluated: 2018-01-13. Review status: criteria provided, single submitter. Criteria: ICSL Variant Classification Criteria 13 December 2019. Collection method: clinical testing. Allele origin: germline.
Comment: This variant was observed in the ICSL laboratory as part of a predisposition screen in an ostensibly healthy population. It had not been previously curated by ICSL or reported in the Human Gene Mutation Database (HGMD: prior to June 1st, 2018), and was therefore a candidate for classification through an automated scoring system. Utilizing variant allele frequency, disease prevalence and penetrance estimates, and inheritance mode, an automated score was calculated to assess if this variant is too frequent to cause the disease. Based on the score and internal cut-off values, a variant classified as likely benign is not then subjected to further curation. The score for this variant resulted in a classification of likely benign for this disease.